The following is an entry in ClinVar:

NM_002528.7(NTHL1):c.15C>A (p.Ser5Arg)

Gene: NTHL1 (nth like DNA glycosylase 1; minus strand). Cytogenetic location: 16p13.3.
Variant type: single nucleotide variant.
Coding change: c.15C>A on transcript NM_002528.7 (MANE Select); coding-DNA position 15, C replaced by A.
Protein change: p.Ser5Arg; replaces serine 5 with arginine.
Molecular consequence: missense variant. On other transcripts: 5 prime UTR variant (1).
Genome position (GRCh38, 1-based): chr16:2,047,809, G>T on the plus strand (C>A on the coding strand, the complement: NTHL1 is on the minus strand). VCF-style: chr16-2047809-G-T. GRCh37 (hg19) VCF-style: chr16-2097810-G-T.
Other names: c.15C>A, p.Ser5Arg (NM_001318193.2); c.-164C>A (NM_001318194.2); short protein forms S5R.
Identifiers: ClinVar variation 824474 (VCV000824474.12), dbSNP rs1596228346, ClinGen allele CA394298646.

ClinVar aggregate classification (germline): Uncertain significance. Review status: criteria provided, multiple submitters, no conflicts (2 of 4 stars). 2 submissions from 2 submitters: Uncertain significance (2). Last evaluated 2025-12-24.

Conditions:
Hereditary cancer-predisposing syndrome. Also called: Neoplastic Syndromes, Hereditary; Tumor predisposition; Hereditary neoplastic syndrome; Hereditary Cancer Syndrome. Identifiers: Orphanet 140162, MedGen C0027672, MeSH D009386, MONDO:0015356.

gnomAD v4.1: 2 of 1,592,376 alleles (0.00013%); highest among the groups gnomAD compares: Non-Finnish European, 0.00017%; no homozygotes.

Submissions (2):

Labcorp Genetics (formerly Invitae), Labcorp
Classification: Uncertain significance. Last evaluated: 2025-12-24. Review status: criteria provided, single submitter. Criteria: Invitae Variant Classification Sherloc (09022015). Collection method: clinical testing. Allele origin: germline.
Comment: This sequence change replaces serine, which is neutral and polar, with arginine, which is basic and polar, at codon 13 of the NTHL1 protein (p.Ser13Arg). This variant is not present in population databases (gnomAD no frequency). This variant has not been reported in the literature in individuals affected with NTHL1-related conditions. ClinVar contains an entry for this variant (Variation ID: 824474). An algorithm developed to predict the effect of missense changes on protein structure and function (PolyPhen-2) suggests that this variant is likely to be tolerated. In summary, the available evidence is currently insufficient to determine the role of this variant in disease. Therefore, it has been classified as a Variant of Uncertain Significance.

Ambry Genetics
Classification: Uncertain significance for Hereditary cancer-predisposing syndrome. Last evaluated: 2022-04-22. Review status: criteria provided, single submitter. Criteria: Ambry Variant Classification Scheme 2023. Collection method: clinical testing. Allele origin: germline.
Comment: The p.S13R variant (also known as c.39C>A), located in coding exon 1 of the NTHL1 gene, results from a C to A substitution at nucleotide position 39. The serine at codon 13 is replaced by arginine, an amino acid with dissimilar properties. This amino acid position is poorly conserved in available vertebrate species. In addition, this alteration is predicted to be tolerated by in silico analysis. Since supporting evidence is limited at this time, the clinical significance of this alteration remains unclear.